The following is an entry in ClinVar:

ClinVar aggregate classification (germline): Pathogenic/Likely pathogenic. Review status: criteria provided, multiple submitters, no conflicts (2 of 4 stars). 3 submissions from 3 submitters: Pathogenic (1); Likely pathogenic (1). 1 of the submissions does not count toward it. Last evaluated 2024-01-26.

Conditions:
Congenital lactic acidosis, Saguenay-Lac-Saint-Jean type (MC4DN5). Also called: CYTOCHROME c OXIDASE DEFICIENCY, FRENCH CANADIAN TYPE; COX DEFICIENCY, FRENCH CANADIAN TYPE; MITOCHONDRIAL COMPLEX IV DEFICIENCY, NUCLEAR TYPE 5. Identifiers: Orphanet 70472, MedGen C1857355, MONDO:0009069, OMIM 220111.

Submissions (3):

GeneDx
Classification: Likely pathogenic. Last evaluated: 2024-01-26. Review status: criteria provided, single submitter. Criteria: GeneDx Variant Classification Process June 2021. Collection method: clinical testing. Allele origin: germline. Affected: yes.
Comment: In-frame deletion of 1 amino acid in a non-repeat region; Not observed at significant frequency in large population cohorts (gnomAD); In silico analysis supports a deleterious effect on protein structure/function; This variant is associated with the following publications: (PMID: 26510951)

Institute of Human Genetics Munich, TUM University Hospital
Classification: Pathogenic for Congenital lactic acidosis, Saguenay-Lac-Saint-Jean type. Last evaluated: 2017-10-25. Review status: criteria provided, single submitter. Criteria: Classification criteria August 2017. Collection method: clinical testing. Allele origin: inherited. Inheritance: Autosomal recessive inheritance. Affected: yes. Observed: 1 homozygote.

OMIM
Classification: Pathogenic for MITOCHONDRIAL COMPLEX IV DEFICIENCY, NUCLEAR TYPE 5. Last evaluated: 2015-12-01. Review status: no assertion criteria provided. Collection method: literature only. Allele origin: germline. Not counted in ClinVar's aggregate classification.

Literature cited by the submitters: PubMed 26510951 (cited by OMIM).

NM_133259.4(LRPPRC):c.2723AGA[1] (p.Lys909del)

Gene: LRPPRC (leucine rich pentatricopeptide repeat containing; minus strand). Cytogenetic location: 2p21.
Variant type: Microsatellite.
Coding change: c.2723AGA[1] on transcript NM_133259.4 (MANE Select); one copy of the 3-base unit AGA starting at c.2723; the reference has two copies in a row; one copy, 3 bases deleted.
Protein change: p.Lys909del; deletes lysine 909.
Molecular consequence: inframe deletion.
Genome position (GRCh38, 1-based): chr2:43,934,198-43,934,200, TCT deleted on the plus strand (AGA on the coding strand, the reverse complement: LRPPRC is on the minus strand); deleting any 3 consecutive bases within chr2:43,934,198-43,934,204 gives the same sequence; the position shown is the placement nearest the transcript's 3' end. VCF-style (leftmost placement, unchanged base first): chr2-43934197-ATCT-A. GRCh37 (hg19) VCF-style: chr2-44161336-ATCT-A.
Other names: short protein forms K909del.
Identifiers: ClinVar variation 218167 (VCV000218167.4), dbSNP rs863225445, ClinGen allele CA279903.